The following is an entry in ClinVar:

ClinVar aggregate classification (germline): Uncertain significance. Review status: criteria provided, multiple submitters, no conflicts (2 of 4 stars). 2 submissions from 2 submitters: Uncertain significance (2). Last evaluated 2019-11-06.

Conditions:
Congenital myasthenic syndrome 2A. Also called: Myasthenic syndrome, congenital, 2a, slow-channel. Identifiers: Orphanet 590, MedGen C4225374, MONDO:0014581, OMIM 616313.
Congenital myasthenic syndrome 4C (CMS4C). Also called: Myasthenic syndrome, congenital, associated with acetylcholine receptor deficiency. Identifiers: Orphanet 590, MedGen C1837091, MONDO:0012157, OMIM 608931.

Allele frequency attached by ClinVar (database versions not stated): gnomAD exomes below 0.00001.
gnomAD v4.1: 2 of 1,614,158 alleles (0.00012%); highest among the groups gnomAD compares: Non-Finnish European, 0.00017%; no homozygotes.

Submissions (2):

Labcorp Genetics (formerly Invitae), Labcorp
Classification: Uncertain significance for Congenital myasthenic syndrome 2A. Last evaluated: 2019-11-06. Review status: criteria provided, single submitter. Criteria: Invitae Variant Classification Sherloc (09022015). Collection method: clinical testing. Allele origin: germline.
Comment: In summary, the available evidence is currently insufficient to determine the role of this variant in disease. Therefore, it has been classified as a Variant of Uncertain Significance. Algorithms developed to predict the effect of sequence changes on RNA splicing suggest that this variant may create or strengthen a splice site, but this prediction has not been confirmed by published transcriptional studies. This variant has not been reported in the literature in individuals with CHRNB1-related conditions. ClinVar contains an entry for this variant (Variation ID: 325105). This variant is not present in population databases (ExAC no frequency). This sequence change affects codon 382 of the CHRNB1 mRNA. It is a 'silent' change, meaning that it does not change the encoded amino acid sequence of the CHRNB1 protein.

Illumina Laboratory Services, Illumina
Classification: Uncertain significance for Congenital myasthenic syndrome 4C. Last evaluated: 2018-01-12. Review status: criteria provided, single submitter. Criteria: ICSL Variant Classification Criteria 13 December 2019. Collection method: clinical testing. Allele origin: germline.

NM_000747.3(CHRNB1):c.1146C>G (p.Gly382=)

Gene: CHRNB1 (cholinergic receptor nicotinic beta 1 subunit; plus strand). Cytogenetic location: 17p13.1.
Variant type: single nucleotide variant.
Coding change: c.1146C>G on transcript NM_000747.3 (MANE Select); coding-DNA position 1146, C replaced by G.
Protein change: p.Gly382=; no amino-acid change (glycine 382 retained).
Molecular consequence: synonymous variant.
Genome position (GRCh38, 1-based): chr17:7,455,385, C>G. VCF-style: chr17-7455385-C-G. GRCh37 (hg19) VCF-style: chr17-7358704-C-G.
Identifiers: ClinVar variation 325105 (VCV000325105.14), dbSNP rs886053403, ClinGen allele CA10650921.